The following is an entry in ClinVar:

NM_001358263.1(HK1):c.75+20308C>T

Gene: HK1 (hexokinase 1; plus strand). Cytogenetic location: 10q22.1.
Variant type: single nucleotide variant.
Coding change: c.75+20308C>T on transcript NM_001358263.1 (MANE Plus Clinical); 20308 bases into the intron after coding-DNA position 75, C replaced by T.
Molecular consequence: intron variant. On other transcripts: nonsense (1).
Genome position (GRCh38, 1-based): chr10:69,315,988, C>T. VCF-style: chr10-69315988-C-T. GRCh37 (hg19) VCF-style: chr10-71075744-C-T.
Other names: c.34C>T, p.Arg12Ter (NM_033496.3); c.27+15127C>T (NM_033500.2); c.168+20308C>T (NM_001322365.2); c.75+20308C>T (NM_033498.3, NM_033497.3, NM_001322364.2); short protein forms R12*.
Identifiers: ClinVar variation 992937 (VCV000992937.76), dbSNP rs756166032, ClinGen allele CA5532161.

ClinVar aggregate classification (germline): Conflicting classifications of pathogenicity. Review status: criteria provided, conflicting classifications (1 of 4 stars). 5 submissions from 5 submitters: Pathogenic (2); Uncertain significance (3). Last evaluated 2025-06-09.

Conditions:
HK1-related disorder. Also called: HK1-related condition; HK1-related disorders.
Hemolytic anemia due to hexokinase deficiency (CNSHA5). Also called: ANEMIA, CONGENITAL, NONSPHEROCYTIC HEMOLYTIC, 5; Non-spherocytic hemolytic anemia due to hexokinase deficiency; HEMOLYTIC ANEMIA, NONSPHEROCYTIC, DUE TO HEXOKINASE DEFICIENCY; Hexokinase deficiency hemolytic anemia. Identifiers: Orphanet 90031, MedGen C3150343, MONDO:0009340, OMIM 235700.

Allele frequency attached by ClinVar (database versions not stated): gnomAD exomes 0.00002; gnomAD 0.00001; ExAC 0.00002.
gnomAD v4.1: 33 of 1,614,010 alleles (0.002%); highest among the groups gnomAD compares: Non-Finnish European, 0.0025%; no homozygotes.

Submissions (5):

PreventionGenetics, part of Exact Sciences
Classification: Uncertain significance for HK1-related condition. Last evaluated: 2025-06-09. Review status: criteria provided, single submitter. Criteria: ACMG Guidelines, 2015. Collection method: clinical testing. Allele origin: germline.
Comment: The HK1 c.34C>T variant is predicted to result in premature protein termination (p.Arg12*). To our knowledge, this variant has not been reported in the literature. This variant is in the pre-coding region of the gene on alternate transcript NM_000188 (c.-2960C>T). This variant is reported in 0.0054% of alleles in individuals of European (Non-Finnish) descent in gnomAD. Loss of function is not an established mechanism of HK1-related disease. At this time, the clinical significance of this variant is uncertain due to the absence of conclusive functional and genetic evidence.

Blueprint Genetics
Classification: Uncertain significance. Last evaluated: 2024-10-18. Review status: criteria provided, single submitter. Criteria: ACMG Guidelines, 2015. Collection method: clinical testing. Allele origin: germline.

Labcorp Genetics (formerly Invitae), Labcorp
Classification: Pathogenic. Last evaluated: 2024-05-26. Review status: criteria provided, single submitter. Criteria: Invitae Variant Classification Sherloc (09022015). Collection method: clinical testing. Allele origin: germline.
Comment: The HK1 gene has multiple clinically relevant transcripts. This variant occurs in alternate transcript NM_033496.2, and corresponds to NM_000188.2:c.-2960C>T in the primary transcript. This sequence change creates a premature translational stop signal (p.Arg12*) in the HK1 gene. It is expected to result in an absent or disrupted protein product. Loss-of-function variants in HK1 are known to be pathogenic (PMID: 11783948, 12211198, 31119733). This variant is present in population databases (rs756166032, gnomAD 0.005%). This premature translational stop signal has been observed in individual(s) with hemolytic anemia (PMID: 31119733). For these reasons, this variant has been classified as Pathogenic.

CeGaT Center for Human Genetics Tuebingen
Classification: Uncertain significance. Last evaluated: 2021-08-01. Review status: criteria provided, single submitter. Criteria: CeGaT Center For Human Genetics Tuebingen Variant Classification Criteria Version 2. Collection method: clinical testing. Allele origin: germline. Affected: yes. Observed: 1 variant allele.

UOS Fisiopatologia delle Anemie, Fondazione IRCCS Ca' Granda Ospedale Maggiore Policlinico Milano
Classification: Pathogenic for Hemolytic anemia due to hexokinase deficiency. Last evaluated: 2018-03-29. Review status: criteria provided, single submitter. Criteria: ACMG Guidelines, 2015. Collection method: clinical testing. Allele origin: germline. Affected: yes. Observed: 1 variant allele.

Literature cited by the submitters: PubMed 11783948 (cited by Labcorp Genetics (formerly Invitae), Labcorp); PubMed 12211198 (cited by Labcorp Genetics (formerly Invitae), Labcorp); PubMed 31119733 (cited by Labcorp Genetics (formerly Invitae), Labcorp).